The following is an entry in ClinVar:

NM_001999.4(FBN2):c.6292+303A>T

Gene: FBN2 (fibrillin 2; minus strand). Cytogenetic location: 5q23.3.
Variant type: single nucleotide variant.
Coding change: c.6292+303A>T on transcript NM_001999.4 (MANE Select); 303 bases into the intron after coding-DNA position 6292, A replaced by T.
Molecular consequence: intron variant.
Genome position (GRCh38, 1-based): chr5:128,291,226, T>A on the plus strand (A>T on the coding strand, the complement: FBN2 is on the minus strand). VCF-style: chr5-128291226-T-A. GRCh37 (hg19) VCF-style: chr5-127626918-T-A.
Identifiers: ClinVar variation 669936 (VCV000669936.1), dbSNP rs6871353, ClinGen allele CA127035118.
Genomic context (GRCh38, chr5:128,291,226, plus strand): 5'-ATGATAGTCTAAGAAAAACAATCAAGGTAACTTTCAGTAAGTTACATCACATCAAAAGCA[T>A]CACATACACCAACAAACAAAAAAGCTATGACAACAACAAAATTAACATAGTCATTCTGAT-3'

ClinVar aggregate classification (germline): Benign (1 of 4 stars; one submission).

Allele frequency attached by ClinVar (database versions not stated): gnomAD 0.04205 and 0.04497; TOPMed 0.04639; 1000 Genomes Project 0.04952; 1000 Genomes Project 30x 0.05387.
gnomAD v4.1: 6,339 of 152,020 alleles (4.2%); highest among the groups gnomAD compares: African/African-American, 14%; 453 homozygotes.

Submission:

GeneDx
Classification: Benign. Last evaluated: 2018-06-14. Review status: criteria provided, single submitter. Criteria: GeneDx Variant Classification (06012015). Collection method: clinical testing. Allele origin: germline. Affected: yes.
Comment: This variant is considered likely benign or benign based on one or more of the following criteria: it is a conservative change, it occurs at a poorly conserved position in the protein, it is predicted to be benign by multiple in silico algorithms, and/or has population frequency not consistent with disease.